The following is an entry in ClinVar:

NM_001100913.3(PACS2):c.2230_2232del (p.Val744del)

Gene: PACS2 (phosphofurin acidic cluster sorting protein 2; plus strand). Cytogenetic location: 14q32.33.
Variant type: Deletion.
Coding change: c.2230_2232del on transcript NM_001100913.3 (MANE Select); coding-DNA positions 2230 to 2232, 3 bases deleted (GTG; older notation c.2230_2232delGTG).
Protein change: p.Val744del; deletes valine 744.
Molecular consequence: inframe deletion.
Genome position (GRCh38, 1-based): chr14:105,391,741-105,391,743, GTG deleted; deleting any 3 consecutive bases within chr14:105,391,740-105,391,743 gives the same sequence; the c. name uses the placement nearest the transcript's 3' end. VCF-style (leftmost placement, unchanged base first): chr14-105391739-CGGT-C. GRCh37 (hg19) VCF-style: chr14-105858076-CGGT-C.
Other names: c.1960_1962del, p.Val654del (NM_001243127.3); c.2185_2187del, p.Val729del (NM_015197.4); short protein forms V744del, V654del, V729del.
Identifiers: ClinVar variation 1913359 (VCV001913359.5), dbSNP rs782371447, ClinGen allele CA7389203.

ClinVar aggregate classification (germline): Uncertain significance (1 of 4 stars; one submission).

Submission:

Labcorp Genetics (formerly Invitae), Labcorp
Classification: Uncertain significance. Last evaluated: 2025-12-31. Review status: criteria provided, single submitter. Criteria: Invitae Variant Classification Sherloc (09022015). Collection method: clinical testing. Allele origin: germline.
Comment: This variant, c.2230_2232del, results in the deletion of 1 amino acid(s) of the PACS2 protein (p.Val744del), but otherwise preserves the integrity of the reading frame. This variant is present in population databases (rs782371447, gnomAD 0.003%). This variant has not been reported in the literature in individuals affected with PACS2-related conditions. ClinVar contains an entry for this variant (Variation ID: 1913359). Experimental studies and prediction algorithms are not available or were not evaluated, and the functional significance of this variant is currently unknown. In summary, the available evidence is currently insufficient to determine the role of this variant in disease. Therefore, it has been classified as a Variant of Uncertain Significance.